The following is an entry in ClinVar:

ClinVar aggregate classification (germline): Benign/Likely benign. Review status: criteria provided, multiple submitters, no conflicts (2 of 4 stars). 7 submissions from 7 submitters: Benign (5); Likely benign (2). Last evaluated 2026-01-17.

Conditions:
Inborn genetic diseases. Identifiers: MedGen C0950123, MeSH D030342.
Charcot-Marie-Tooth disease, type I (CMT1). Also called: Charcot-Marie-Tooth disease type 1; Charcot-Marie-Tooth, Type 1. Identifiers: Orphanet 65753, MedGen C0751036, MONDO:0019011.
Guillain-Barre syndrome, familial (GBS). Identifiers: Orphanet 98916, MedGen C4083008, MONDO:0007691, OMIM 139393.
Hereditary liability to pressure palsies (HNPP). Also called: Hereditary Neuropathy with Liability to Pressure Palsies; POLYNEUROPATHY, FAMILIAL RECURRENT; TOMACULOUS NEUROPATHY. Identifiers: Orphanet 640, MedGen C0393814, MONDO:0008087, OMIM 162500.
Roussy-Lévy syndrome. Also called: Roussy Levy hereditary areflexic dystasia; Roussy-Levy disease; Hereditary areflexic dystasia; Roussy-Levy Syndrome. Identifiers: Orphanet 3115, MedGen C0205713, MONDO:0008392, OMIM 180800.
Charcot-Marie-Tooth disease type 1E. Also called: Charcot-Marie-Tooth Neuropathy Type 1E; CHARCOT-MARIE-TOOTH DISEASE, DEMYELINATING, TYPE 1E; CHARCOT-MARIE-TOOTH NEUROPATHY AND DEAFNESS, AUTOSOMAL DOMINANT; Charcot-Marie-Tooth disease and deafness. Identifiers: Orphanet 90658, MedGen C3495591, MONDO:0007311, OMIM 118300.
Charcot-Marie-Tooth disease, type IA (CMT1A). Also called: Charcot-Marie-Tooth disease type 1A; CMT 1A; Hereditary motor and sensory neuropathy 1A; HMSN 1A; CHARCOT-MARIE-TOOTH DISEASE, AUTOSOMAL DOMINANT, WITH FOCALLY FOLDED MYELIN SHEATHS, TYPE 1A; CHARCOT-MARIE-TOOTH NEUROPATHY, TYPE 1A. Identifiers: Orphanet 101081, MedGen C0270911, MONDO:0007309, OMIM 118220.
Dejerine-Sottas disease. Also called: Charcot-Marie-Tooth disease type 3; HMSN Type III; DEJERINE-SOTTAS NEUROPATHY; HEREDITARY MOTOR AND SENSORY NEUROPATHY TYPE III; Hereditary motor and sensory neuropathy 3. Identifiers: Orphanet 64748, MedGen C0011195, MONDO:0007790, OMIM 145900.

Allele frequency attached by ClinVar (database versions not stated): gnomAD exomes 0.00063 and 0.00180; ExAC 0.00239; gnomAD 0.00696 and 0.00743; ESP Exome Variant Server 0.00761; TOPMed 0.00768; 1000 Genomes Project 0.00879; 1000 Genomes Project 30x 0.01031.
gnomAD v4.1: 1,995 of 1,614,112 alleles (0.12%); highest among the groups gnomAD compares: African/African-American, 2.4%; 36 homozygotes.

Submissions (7):

Labcorp Genetics (formerly Invitae), Labcorp
Classification: Benign for Charcot-Marie-Tooth disease, type I. Last evaluated: 2026-01-17. Review status: criteria provided, single submitter. Criteria: Invitae Variant Classification Sherloc (09022015). Collection method: clinical testing. Allele origin: germline.

ARUP Laboratories, Molecular Genetics and Genomics, ARUP Laboratories
Classification: Benign. Last evaluated: 2022-04-01. Review status: criteria provided, single submitter. Criteria: ARUP Molecular Germline Variant Investigation Process 2021. Collection method: clinical testing. Allele origin: germline.

Fulgent Genetics
Classification: Likely benign for Charcot-Marie-Tooth disease, type IA; Charcot-Marie-Tooth disease type 1E; Guillain-Barre syndrome, familial; Dejerine-Sottas disease; Hereditary liability to pressure palsies; Roussy-Lévy syndrome. Last evaluated: 2022-01-03. Review status: criteria provided, single submitter. Criteria: ACMG Guidelines, 2015. Collection method: clinical testing. Allele origin: unknown.

Ambry Genetics
Classification: Likely benign for Inborn genetic diseases. Last evaluated: 2019-07-11. Review status: criteria provided, single submitter. Criteria: Ambry Variant Classification Scheme 2023. Collection method: clinical testing. Allele origin: germline.

Athena Diagnostics
Classification: Benign. Last evaluated: 2018-09-11. Review status: criteria provided, single submitter. Criteria: Athena Diagnostics Criteria. Collection method: clinical testing. Allele origin: germline.

Mayo Clinic Laboratories, Mayo Clinic
Classification: Benign. Last evaluated: 2017-07-21. Review status: criteria provided, single submitter. Criteria: ACMG Guidelines, 2015. Collection method: clinical testing. Allele origin: germline. Observed: 5 variant alleles.

GeneDx
Classification: Benign. Last evaluated: 2016-02-02. Review status: criteria provided, single submitter. Criteria: GeneDx Variant Classification (06012015). Collection method: clinical testing. Allele origin: germline. Affected: yes.
Comment: This variant is considered likely benign or benign based on one or more of the following criteria: it is a conservative change, it occurs at a poorly conserved position in the protein, it is predicted to be benign by multiple in silico algorithms, and/or has population frequency not consistent with disease.

Literature cited by the submitters: PubMed 28981955 (cited by Athena Diagnostics).

NM_000304.4(PMP22):c.396C>T (p.Tyr132=)

Gene: PMP22 (peripheral myelin protein 22; minus strand). Cytogenetic location: 17p12.
Variant type: single nucleotide variant.
Coding change: c.396C>T on transcript NM_000304.4 (MANE Select); coding-DNA position 396, C replaced by T.
Protein change: p.Tyr132=; no amino-acid change (tyrosine 132 retained).
Molecular consequence: synonymous variant. On other transcripts: non-coding transcript variant (2).
Genome position (GRCh38, 1-based): chr17:15,231,004, G>A on the plus strand (C>T on the coding strand, the complement: PMP22 is on the minus strand). VCF-style: chr17-15231004-G-A. GRCh37 (hg19) VCF-style: chr17-15134321-G-A.
Other names: p.Tyr132=; c.396C>T, p.Tyr132= (NM_001281455.2, NM_001281456.2, NM_153321.3 and 1 more transcripts).
Identifiers: ClinVar variation 378379 (VCV000378379.18), dbSNP rs74361095, ClinGen allele CA8403309.